The following is an entry in ClinVar:

ClinVar aggregate classification (germline): Uncertain significance. Review status: criteria provided, multiple submitters, no conflicts (2 of 4 stars). 3 submissions from 3 submitters: Uncertain significance (2). 1 of the submissions does not count toward it. Last evaluated 2025-11-18.

Conditions:
TBX3-related disorder. Also called: TBX3-related condition.
Ulnar-mammary syndrome (UMS). Also called: Ulnar-mammary syndrome of Pallister; PALLISTER ULNAR-MAMMARY SYNDROME; SCHINZEL SYNDROME. Identifiers: Orphanet 3138, MedGen C1866994, MONDO:0008411, OMIM 181450.

Allele frequency attached by ClinVar (database versions not stated): gnomAD exomes below 0.00001; gnomAD 0.00001; TOPMed 0.00002.

Submissions (3):

Labcorp Genetics (formerly Invitae), Labcorp
Classification: Uncertain significance for Ulnar-mammary syndrome. Last evaluated: 2025-11-18. Review status: criteria provided, single submitter. Criteria: Invitae Variant Classification Sherloc (09022015). Collection method: clinical testing. Allele origin: germline.
Comment: This sequence change replaces alanine, which is neutral and non-polar, with threonine, which is neutral and polar, at codon 488 of the TBX3 protein (p.Ala488Thr). This variant is not present in population databases (gnomAD no frequency). This variant has not been reported in the literature in individuals affected with TBX3-related conditions. ClinVar contains an entry for this variant (Variation ID: 2690226). An algorithm developed to predict the effect of missense changes on protein structure and function (PolyPhen-2) suggests that this variant is likely to be tolerated. In summary, the available evidence is currently insufficient to determine the role of this variant in disease. Therefore, it has been classified as a Variant of Uncertain Significance.

Revvity Omics, Revvity
Classification: Uncertain significance for Ulnar-mammary syndrome. Last evaluated: 2023-02-02. Review status: criteria provided, single submitter. Criteria: ACMG Guidelines, 2015. Collection method: clinical testing. Allele origin: germline.

PreventionGenetics, part of Exact Sciences
Classification: Uncertain significance for TBX3-related condition. Last evaluated: 2024-09-04. Review status: no assertion criteria provided. Collection method: clinical testing. Allele origin: germline. Not counted in ClinVar's aggregate classification.
Comment: The TBX3 c.1522G>A variant is predicted to result in the amino acid substitution p.Ala508Thr. To our knowledge, this variant has not been reported in the literature or in a large population database, indicating this variant is rare. At this time, the clinical significance of this variant is uncertain due to the absence of conclusive functional and genetic evidence.

NM_005996.4(TBX3):c.1462G>A (p.Ala488Thr)

Gene: TBX3 (T-box transcription factor 3; minus strand). Cytogenetic location: 12q24.21.
Variant type: single nucleotide variant.
Coding change: c.1462G>A on transcript NM_005996.4 (MANE Select); coding-DNA position 1462, G replaced by A.
Protein change: p.Ala488Thr; replaces alanine 488 with threonine.
Molecular consequence: missense variant.
Genome position (GRCh38, 1-based): chr12:114,674,413, C>T on the plus strand (G>A on the coding strand, the complement: TBX3 is on the minus strand). VCF-style: chr12-114674413-C-T. GRCh37 (hg19) VCF-style: chr12-115112218-C-T.
Other names: c.1522G>A, p.Ala508Thr (NM_016569.4); c.1522G>A (NM_016569.3); short protein forms A488T, A508T.
Identifiers: ClinVar variation 2690226 (VCV002690226.6), dbSNP rs994091095, ClinGen allele CA244143458.